The following is an entry in ClinVar:

ClinVar aggregate classification (germline): Benign (1 of 4 stars; one submission).

Conditions:
Neurofibromatosis, type 1 (NF1). Also called: VON RECKLINGHAUSEN DISEASE; NEUROFIBROMATOSIS, TYPE I, SOMATIC; Peripheral type neurofibromatosis; Neurofibromatosis, type I. Identifiers: Orphanet 636, MedGen C0027831, MONDO:0018975, OMIM 162200. Disease mechanism: loss of function.

Submission:

Myriad Genetics, Inc.
Classification: Benign for Neurofibromatosis, type 1. Last evaluated: 2026-05-20. Review status: criteria provided, single submitter. Criteria: Myriad Autosomal Dominant, Autosomal Recessive and X-Linked Classification Criteria (2023). Collection method: clinical testing. Allele origin: unknown.
Comment: This variant is considered benign. This variant is a silent/synonymous amino acid change and it is not expected to impact splicing.

NM_001042492.3(NF1):c.5178A>T (p.Leu1726=)

Gene: NF1 (neurofibromin 1; plus strand). Cytogenetic location: 17q11.2.
Variant type: single nucleotide variant.
Coding change: c.5178A>T on transcript NM_001042492.3 (MANE Select); coding-DNA position 5178, A replaced by T.
Protein change: p.Leu1726=; no amino-acid change (leucine 1726 retained).
Molecular consequence: synonymous variant.
Genome position (GRCh38, 1-based): chr17:31,326,162, A>T. VCF-style: chr17-31326162-A-T. GRCh37 (hg19) VCF-style: chr17-29653180-A-T.
Other names: c.5115A>T, p.Leu1705= (NM_000267.4).
Identifiers: ClinVar variation 4875917 (VCV004875917.1).